The following is an entry in ClinVar:

ClinVar aggregate classification (germline): Uncertain significance (1 of 4 stars; one submission).

Conditions:
Telangiectasia, hereditary hemorrhagic, type 1 (HHT1). Also called: Osler Weber Rendu syndrome type 1; ENG-Related Hereditary Hemorrhagic Telangiectasia. Identifiers: Orphanet 774, MedGen C4551861, MONDO:0008535, OMIM 187300. Disease mechanism: loss of function.

Submission:

Laboratorio de Genetica e Diagnostico Molecular, Hospital Israelita Albert Einstein
Classification: Uncertain significance for Telangiectasia, hereditary hemorrhagic, type 1. Last evaluated: 2024-03-08. Review status: criteria provided, single submitter. Criteria: ACMG Guidelines, 2015. Collection method: clinical testing. Allele origin: germline. Affected: yes.
Comment: ACMG classification criteria: PVS1 moderate, PM2 supporting

NM_001114753.3(ENG):c.1844C>A (p.Ser615Ter)

Gene: ENG (endoglin; minus strand). Cytogenetic location: 9q34.11.
Variant type: single nucleotide variant.
Coding change: c.1844C>A on transcript NM_001114753.3 (MANE Select); coding-DNA position 1844, C replaced by A.
Protein change: p.Ser615Ter; replaces serine 615 with a stop codon.
Molecular consequence: nonsense.
Genome position (GRCh38, 1-based): chr9:127,815,951, G>T on the plus strand (C>A on the coding strand, the complement: ENG is on the minus strand). VCF-style: chr9-127815951-G-T. GRCh37 (hg19) VCF-style: chr9-130578230-G-T.
Other names: c.1844C>A, p.Ser615Ter (NM_000118.4); c.1298C>A, p.Ser433Ter (NM_001278138.2); short protein forms S433*, S615*.
Identifiers: ClinVar variation 3901991 (VCV003901991.1).
Genomic context (GRCh38, chr9:127,815,951, plus strand): 5'-CGGGTGGATGGAGGGGCCCGGCATGCTCACTGTGGGGGCCTGGGGTACTCACGCGTGTGC[G>T]AGTAGATGTACCAGAGTGCAGCAGTGAGCAGGGCCCCGATGAGGAAGGCACCAAAGGTGA-3'